The following is an entry in ClinVar:

NM_001375765.1(GIGYF1):c.2241G>A (p.Ala747=)

Gene: GIGYF1 (GRB10 interacting GYF protein 1; minus strand). Cytogenetic location: 7q22.1.
Variant type: single nucleotide variant.
Coding change: c.2241G>A on transcript NM_001375765.1 (MANE Select); coding-DNA position 2241, G replaced by A.
Protein change: p.Ala747=; no amino-acid change (alanine 747 retained).
Molecular consequence: synonymous variant. On other transcripts: non-coding transcript variant (1).
Genome position (GRCh38, 1-based): chr7:100,683,183, C>T on the plus strand (G>A on the coding strand, the complement: GIGYF1 is on the minus strand). VCF-style: chr7-100683183-C-T. GRCh37 (hg19) VCF-style: chr7-100280806-C-T.
Other names: c.2241G>A, p.Ala747= (NM_001375759.1, NM_001375760.1, NM_001375761.1 and 6 more transcripts).
Identifiers: ClinVar variation 5039189 (VCV005039189.1).
Genomic context (GRCh38, chr7:100,683,183, plus strand): 5'-CTGCTTGGCCAGGCCAGCCCAGAGTGGGGGCGGGGAGCTGGGTGCGGGGGGCACAGGGAC[C>T]GCCTGCTGCTGCTGTAGCAACTTCAGCAATAGCTCCTGCTGCCGCACCTAAGAGGGGGAC-3'
Protein context (NP_001362694.1, residues 737-757): LLLKLLQQQQ[Ala747=]VPVPPAPSSP

ClinVar aggregate classification (germline): Likely benign (1 of 4 stars; one submission).

gnomAD v4.1: 36 of 1,606,512 alleles (0.0022%); highest among the groups gnomAD compares: African/African-American, 0.012%; no homozygotes.

Submission:

CeGaT Center for Human Genetics Tuebingen
Classification: Likely benign. Last evaluated: 2026-08-01. Review status: criteria provided, single submitter. Criteria: CeGaT Center For Human Genetics Tuebingen Variant Classification Criteria Version 2. Collection method: clinical testing. Allele origin: germline. Affected: yes. Observed: 1 variant allele.
Comment: GIGYF1: BP4, BP7